The following is an entry in ClinVar:

NM_014285.7(EXOSC2):c.655T>C (p.Phe219Leu)

Gene: EXOSC2 (exosome component 2; plus strand). Cytogenetic location: 9q34.12.
Variant type: single nucleotide variant.
Coding change: c.655T>C on transcript NM_014285.7 (MANE Select); coding-DNA position 655, T replaced by C.
Protein change: p.Phe219Leu; replaces phenylalanine 219 with leucine.
Molecular consequence: missense variant. On other transcripts: non-coding transcript variant (1).
Genome position (GRCh38, 1-based): chr9:130,702,293, T>C. VCF-style: chr9-130702293-T-C. GRCh37 (hg19) VCF-style: chr9-133577680-T-C.
Other names: c.577T>C, p.Phe193Leu (NM_001282708.1); c.565T>C, p.Phe189Leu (NM_001282709.1); c.655T>C (NM_014285.5); short protein forms F189L, F219L, F193L.
Identifiers: ClinVar variation 846466 (VCV000846466.10), dbSNP rs148687193, ClinGen allele CA5284932.
Genomic context (GRCh38, chr9:130,702,293, plus strand): 5'-AACAACGGCTTCATCTGGATTTACCCAACACCTGAGCACAAAGAAGAGGAAGCAGGGGGC[T>C]TCATTGCAAACCTGGAGGTGAGCAAACACTGTGGCCATTTTCAGTGGGATGGAGGGGGCT-3'
Protein context (NP_055100.2, residues 209-229): PEHKEEEAGG[Phe219Leu]IANLEPVSLA

ClinVar aggregate classification (germline): Uncertain significance. Review status: criteria provided, multiple submitters, no conflicts (2 of 4 stars). 2 submissions from 2 submitters: Uncertain significance (2). Last evaluated 2025-12-16.

Allele frequency attached by ClinVar (database versions not stated): ESP Exome Variant Server 0.00008; TOPMed 0.00008; gnomAD exomes 0.00001 and 0.00003; ExAC 0.00003; gnomAD 0.00005.
gnomAD v4.1: 21 of 1,613,812 alleles (0.0013%); highest among the groups gnomAD compares: African/African-American, 0.028%; no homozygotes.

Submissions (2):

Ambry Genetics
Classification: Uncertain significance. Last evaluated: 2025-12-16. Review status: criteria provided, single submitter. Criteria: Ambry Variant Classification Scheme 2023. Collection method: clinical testing. Allele origin: germline.

Labcorp Genetics (formerly Invitae), Labcorp
Classification: Uncertain significance. Last evaluated: 2024-10-26. Review status: criteria provided, single submitter. Criteria: Invitae Variant Classification Sherloc (09022015). Collection method: clinical testing. Allele origin: germline.
Comment: This sequence change replaces phenylalanine, which is neutral and non-polar, with leucine, which is neutral and non-polar, at codon 219 of the EXOSC2 protein (p.Phe219Leu). This variant is present in population databases (rs148687193, gnomAD 0.04%). This variant has not been reported in the literature in individuals affected with EXOSC2-related conditions. ClinVar contains an entry for this variant (Variation ID: 846466). Invitae Evidence Modeling of protein sequence and biophysical properties (such as structural, functional, and spatial information, amino acid conservation, physicochemical variation, residue mobility, and thermodynamic stability) indicates that this missense variant is not expected to disrupt EXOSC2 protein function with a negative predictive value of 80%. In summary, the available evidence is currently insufficient to determine the role of this variant in disease. Therefore, it has been classified as a Variant of Uncertain Significance.